The following is an entry in ClinVar:

ClinVar aggregate classification (germline): Pathogenic (1 of 4 stars; one submission).

Conditions:
KBG syndrome (KBGS). Also called: ANKRD11-Related KBG Syndrome. Identifiers: Orphanet 2332, MedGen C0220687, MONDO:0007846, OMIM 148050.

Submission:

Molecular Genetics Laboratory, Motol Hospital
Classification: Pathogenic for KBG syndrome. Last evaluated: 2024-12-27. Review status: criteria provided, single submitter. Criteria: ACMG Guidelines, 2015. Collection method: clinical testing. Allele origin: de novo. Affected: yes. Observed: 1 variant allele.
Comment: The variant was found to be of a de novo origin. Rare de novo truncating variants affecting the ANKRD11 gene are documented as a molecular cause of "KBG syndrome" (CIAT; OMIM:148050; PMID:21782149;29258554;25125236;25413698). To conclude, the variant is classified as pathogenic (ACMG PVS1, PM2, PS2).

Literature cited by the submitters: PubMed 21782149; PubMed 29258554; PubMed 25125236; PubMed 25413698.

NM_013275.6(ANKRD11):c.2394del (p.Asp798fs)

Gene: ANKRD11 (ankyrin repeat domain 11; minus strand). Cytogenetic location: 16q24.3.
Variant type: Deletion.
Coding change: c.2394del on transcript NM_013275.6 (MANE Select); coding-DNA position 2394, one base deleted (T; older notation c.2394delT).
Protein change: p.Asp798fs; shifts the reading frame from aspartic acid 798.
Molecular consequence: frameshift variant.
Genome position (GRCh38, 1-based): chr16:89,284,148, A deleted on the plus strand (T on the coding strand, the reverse complement: ANKRD11 is on the minus strand). VCF-style (leftmost placement, unchanged base first): chr16-89284147-TA-T. GRCh37 (hg19) VCF-style: chr16-89350555-TA-T.
Other names: c.2394del, p.Asp798fs (NM_001256182.2, NM_001256183.2); short protein forms D798fs.
Identifiers: ClinVar variation 3393447 (VCV003393447.2).
Genomic context (GRCh38, chr16:89,284,147, plus strand): 5'-TACAATATTCGTCAAAAGCAGAATCTTCCCTATAAACCTTTTCTTTTTTGAGTTTTTCTT[TA>T]TCTTCTTTAAAAATCTTCTCCTTCTCTTTTGAAATTTTGTCCTCTTTTAAATCATTCTTC-3'